The following is an entry in ClinVar:

NM_000240.4(MAOA):c.910A>G (p.Ile304Val)

Gene: MAOA (monoamine oxidase A; plus strand). Cytogenetic location: Xp11.3.
Variant type: single nucleotide variant.
Coding change: c.910A>G on transcript NM_000240.4 (MANE Select); coding-DNA position 910, A replaced by G.
Protein change: p.Ile304Val; replaces isoleucine 304 with valine.
Molecular consequence: missense variant.
Genome position (GRCh38, 1-based): chrX:43,731,808, A>G. VCF-style: chrX-43731808-A-G. GRCh37 (hg19) VCF-style: chrX-43591055-A-G.
Other names: c.511A>G, p.Ile171Val (NM_001270458.2); short protein forms I171V, I304V.
Identifiers: ClinVar variation 3897464 (VCV003897464.3).

ClinVar aggregate classification (germline): Uncertain significance. Review status: criteria provided, multiple submitters, no conflicts (2 of 4 stars). 2 submissions from 2 submitters: Uncertain significance (2). Last evaluated 2026-09-10.

Conditions:
Brunner syndrome (BRNRS). Identifiers: Orphanet 3057, MedGen C0796275, MONDO:0010379, OMIM 300615.

Submissions (2):

GeneDx
Classification: Uncertain significance. Last evaluated: 2026-09-10. Review status: criteria provided, single submitter. Criteria: GeneDx Variant Classification Process June 2021. Collection method: clinical testing. Allele origin: germline.
Comment: Not observed at significant frequency in large population cohorts (gnomAD); In silico analysis suggests that this missense variant does not alter protein structure/function; Has not been previously published as pathogenic or benign to our knowledge

Labcorp Genetics (formerly Invitae), Labcorp
Classification: Uncertain significance for Brunner syndrome. Last evaluated: 2025-04-30. Review status: criteria provided, single submitter. Criteria: Invitae Variant Classification Sherloc (09022015). Collection method: clinical testing. Allele origin: germline.
Comment: This sequence change replaces isoleucine, which is neutral and non-polar, with valine, which is neutral and non-polar, at codon 304 of the MAOA protein (p.Ile304Val). This variant is not present in population databases (gnomAD no frequency). This variant has not been reported in the literature in individuals affected with MAOA-related conditions. Invitae Evidence Modeling of protein sequence and biophysical properties (such as structural, functional, and spatial information, amino acid conservation, physicochemical variation, residue mobility, and thermodynamic stability) indicates that this missense variant is not expected to disrupt MAOA protein function with a negative predictive value of 80%. In summary, the available evidence is currently insufficient to determine the role of this variant in disease. Therefore, it has been classified as a Variant of Uncertain Significance.